The following is an entry in ClinVar:

ClinVar aggregate classification (germline): Uncertain significance (1 of 4 stars; one submission).

Conditions:
Ullrich congenital muscular dystrophy 2 (UCMD2). Identifiers: Orphanet 75840, MedGen C4225314, MONDO:0014654, OMIM 616470.
Bethlem myopathy 2 (BTHLM2). Identifiers: Orphanet 536516, Orphanet 610, MedGen C4225313, MONDO:0034022, OMIM 616471.

Submission:

Labcorp Genetics (formerly Invitae), Labcorp
Classification: Uncertain significance for Bethlem myopathy 2; Ullrich congenital muscular dystrophy 2. Last evaluated: 2023-12-23. Review status: criteria provided, single submitter. Criteria: Invitae Variant Classification Sherloc (09022015). Collection method: clinical testing. Allele origin: germline.
Comment: This sequence change replaces glutamic acid, which is acidic and polar, with aspartic acid, which is acidic and polar, at codon 1145 of the COL12A1 protein (p.Glu1145Asp). This variant is not present in population databases (gnomAD no frequency). This variant has not been reported in the literature in individuals affected with COL12A1-related conditions. Advanced modeling of protein sequence and biophysical properties (such as structural, functional, and spatial information, amino acid conservation, physicochemical variation, residue mobility, and thermodynamic stability) has been performed at Invitae for this missense variant, however the output from this modeling did not meet the statistical confidence thresholds required to predict the impact of this variant on COL12A1 protein function. In summary, the available evidence is currently insufficient to determine the role of this variant in disease. Therefore, it has been classified as a Variant of Uncertain Significance.

NM_004370.6(COL12A1):c.3435G>C (p.Glu1145Asp)

Gene: COL12A1 (collagen type XII alpha 1 chain; minus strand). Cytogenetic location: 6q13.
Variant type: single nucleotide variant.
Coding change: c.3435G>C on transcript NM_004370.6 (MANE Select); coding-DNA position 3435, G replaced by C.
Protein change: p.Glu1145Asp; replaces glutamic acid 1145 with aspartic acid.
Molecular consequence: missense variant. On other transcripts: intron variant (2).
Genome position (GRCh38, 1-based): chr6:75,155,670, C>G on the plus strand (G>C on the coding strand, the complement: COL12A1 is on the minus strand). VCF-style: chr6-75155670-C-G. GRCh37 (hg19) VCF-style: chr6-75865386-C-G.
Other names: c.3435G>C, p.Glu1145Asp (NM_001424113.1, NM_001424114.1); c.3162G>C, p.Glu1054Asp (NM_001424115.1); c.74-3188G>C (NM_001424116.1, NM_080645.3); short protein forms E1054D, E1145D.
Identifiers: ClinVar variation 2946206 (VCV002946206.3), dbSNP rs2533420398, ClinGen allele CA364751992.
Genomic context (GRCh38, chr6:75,155,670, plus strand): 5'-CCTTGTAAACAAATTAATTTCATCCTTTGATACAAACGTAGTTAATTCCTACCTAAGTTC[C>G]TCCAAAACAACTGTGTTGTCATAGGGTCCAACCACTAACTCCCCCAGTCTTCTGTCATCC-3'
Protein context (NP_004361.3, residues 1135-1155): VGPYDNTVVL[Glu1145Asp]ELRAGTTYKV